The following is an entry in ClinVar:

ClinVar aggregate classification (germline): Uncertain significance. Review status: criteria provided, multiple submitters, no conflicts (2 of 4 stars). 2 submissions from 2 submitters: Uncertain significance (2). Last evaluated 2022-12-12.

Conditions:
Dilated cardiomyopathy 1DD (CMD1DD). Identifiers: Orphanet 154, MedGen C2750995, MONDO:0013168, OMIM 613172.
Cardiovascular phenotype. Identifiers: MedGen CN230736.

Submissions (2):

Labcorp Genetics (formerly Invitae), Labcorp
Classification: Uncertain significance for Dilated cardiomyopathy 1DD. Last evaluated: 2022-12-12. Review status: criteria provided, single submitter. Criteria: Invitae Variant Classification Sherloc (09022015). Collection method: clinical testing. Allele origin: germline.
Comment: In summary, the available evidence is currently insufficient to determine the role of this variant in disease. Therefore, it has been classified as a Variant of Uncertain Significance. This variant disrupts the p.Ser637 amino acid residue in RBM20. Other variant(s) that disrupt this residue have been determined to be pathogenic (PMID: 19712804, 32851336). This suggests that this residue is clinically significant, and that variants that disrupt this residue are likely to be disease-causing. Algorithms developed to predict the effect of missense changes on protein structure and function (SIFT, PolyPhen-2, Align-GVGD) all suggest that this variant is likely to be disruptive. ClinVar contains an entry for this variant (Variation ID: 1782518). This variant has not been reported in the literature in individuals affected with RBM20-related conditions. This variant is not present in population databases (gnomAD no frequency). This sequence change replaces serine, which is neutral and polar, with arginine, which is basic and polar, at codon 637 of the RBM20 protein (p.Ser637Arg).

Ambry Genetics
Classification: Uncertain significance for Cardiovascular phenotype. Last evaluated: 2020-05-08. Review status: criteria provided, single submitter. Criteria: Ambry Variant Classification Scheme 2023. Collection method: clinical testing. Allele origin: germline.
Comment: The p.S637R variant (also known as c.1911T>G), located in coding exon 9 of the RBM20 gene, results from a T to G substitution at nucleotide position 1911. The serine at codon 637 is replaced by arginine, an amino acid with dissimilar properties. An alternate amino acid substitution at this position p.S637G has been reported in multiple individuals with dilated cardimyopathy (DCM), suggesting a possible hotspot (Brauch KM et al. J. Am. Coll. Cardiol., 2009 Sep;54:930-41). This amino acid position is highly conserved in available vertebrate species. In addition, the in silico prediction for this alteration is inconclusive. Since supporting evidence is limited at this time, the clinical significance of this alteration remains unclear.

Literature cited by the submitters: PubMed 19712804 (cited by Labcorp Genetics (formerly Invitae), Labcorp); PubMed 32851336 (cited by Labcorp Genetics (formerly Invitae), Labcorp).

NM_001134363.3(RBM20):c.1911T>G (p.Ser637Arg)

Gene: RBM20 (RNA binding motif protein 20; plus strand). Cytogenetic location: 10q25.2.
Variant type: single nucleotide variant.
Coding change: c.1911T>G on transcript NM_001134363.3 (MANE Select); coding-DNA position 1911, T replaced by G.
Protein change: p.Ser637Arg; replaces serine 637 with arginine.
Molecular consequence: missense variant.
Genome position (GRCh38, 1-based): chr10:110,812,308, T>G. VCF-style: chr10-110812308-T-G. GRCh37 (hg19) VCF-style: chr10-112572066-T-G.
Other names: short protein forms S637R.
Identifiers: ClinVar variation 1782518 (VCV001782518.5), dbSNP rs2493472876, ClinGen allele CA378370325.